The following is an entry in ClinVar:

ClinVar aggregate classification (germline): Benign (0 of 4 stars; one submission).

Conditions:
PRRG4-related disorder. Also called: PRRG4-related condition.

Allele frequency attached by ClinVar (database versions not stated): ESP Exome Variant Server 0.37840; TOPMed 0.38766; gnomAD 0.38852; gnomAD exomes 0.39153; ExAC 0.40000; 1000 Genomes Project 0.40535; 1000 Genomes Project 30x 0.40693.
gnomAD v4.1: 631,342 of 1,613,384 alleles (39%); highest among the groups gnomAD compares: South Asian, 45%; 124,474 homozygotes.

Submission:

PreventionGenetics, part of Exact Sciences
Classification: Benign for PRRG4-related condition. Last evaluated: 2019-10-18. Review status: no assertion criteria provided. Collection method: clinical testing. Allele origin: germline.
Comment: This variant is classified as benign based on ACMG/AMP sequence variant interpretation guidelines (Richards et al. 2015 PMID: 25741868, with internal and published modifications).

NM_024081.6(PRRG4):c.534G>A (p.Pro178=)

Gene: PRRG4 (proline rich and Gla domain 4; plus strand). Cytogenetic location: 11p13.
Variant type: single nucleotide variant.
Coding change: c.534G>A on transcript NM_024081.6 (MANE Select); coding-DNA position 534, G replaced by A.
Protein change: p.Pro178=; no amino-acid change (proline 178 retained).
Molecular consequence: synonymous variant.
Genome position (GRCh38, 1-based): chr11:32,853,380, G>A. VCF-style: chr11-32853380-G-A. GRCh37 (hg19) VCF-style: chr11-32874926-G-A.
Identifiers: ClinVar variation 3058902 (VCV003058902.2), dbSNP rs11032025, ClinGen allele CA5935932.
Genomic context (GRCh38, chr11:32,853,380, plus strand): 5'-GAGGCACACTCCCTCCATCATTTTCAGAAGACCTGAGGAGGCTGCCTTGTCTCCATTGCC[G>A]CCTTCTGTGGAGGATGCAGGATTACCTTCTTATGAACAGGCAGTGGCGCTGACCAGAAAA-3'
Protein context (NP_076986.1, residues 168-188): RPEEAALSPL[Pro178=]PSVEDAGLPS